The following is an entry in ClinVar:

ClinVar aggregate classification (germline): Likely benign. Review status: criteria provided, multiple submitters, no conflicts (2 of 4 stars). 2 submissions from 2 submitters: Likely benign (2). Last evaluated 2025-03-19.

Conditions:
Fanconi anemia complementation group J. Also called: BRIP1-Related Fanconi Anemia. Identifiers: Orphanet 84, MedGen C1836860, MONDO:0012187, OMIM 609054.
Familial cancer of breast. Also called: hereditary breast carcinoma; BREAST CANCER, FAMILIAL; Hereditary breast cancer. Identifiers: Orphanet 227535, MedGen C0346153, MONDO:0016419, OMIM 114480. Disease mechanism: loss of function.

Submissions (2):

Labcorp Genetics (formerly Invitae), Labcorp
Classification: Likely benign for Familial cancer of breast; Fanconi anemia complementation group J. Last evaluated: 2025-03-19. Review status: criteria provided, single submitter. Criteria: Invitae Variant Classification Sherloc (09022015). Collection method: clinical testing. Allele origin: germline.

Myriad Genetics, Inc.
Classification: Likely benign for Familial cancer of breast. Last evaluated: 2024-09-03. Review status: criteria provided, single submitter. Criteria: Myriad Autosomal Dominant, Autosomal Recessive and X-Linked Classification Criteria (2023). Collection method: clinical testing. Allele origin: unknown.
Comment: This variant is considered likely benign. This variant is intronic and is not expected to impact mRNA splicing.

NM_032043.3(BRIP1):c.2098-12T>C

Gene: BRIP1 (BRCA1 interacting DNA helicase 1; minus strand). Cytogenetic location: 17q23.2.
Variant type: single nucleotide variant.
Coding change: c.2098-12T>C on transcript NM_032043.3 (MANE Select); 12 bases into the intron before coding-DNA position 2098, T replaced by C.
Molecular consequence: intron variant.
Genome position (GRCh38, 1-based): chr17:61,744,603, A>G on the plus strand (T>C on the coding strand, the complement: BRIP1 is on the minus strand). VCF-style: chr17-61744603-A-G. GRCh37 (hg19) VCF-style: chr17-59821964-A-G.
Identifiers: ClinVar variation 3378663 (VCV003378663.3).